The following is an entry in ClinVar:

ClinVar aggregate classification (germline): Uncertain significance. Review status: criteria provided, multiple submitters, no conflicts (2 of 4 stars). 3 submissions from 3 submitters: Uncertain significance (3). Last evaluated 2025-10-18.

Conditions:
Inborn genetic diseases. Identifiers: MedGen C0950123, MeSH D030342.

Allele frequency attached by ClinVar (database versions not stated): TOPMed 0.00001; ExAC 0.00002; gnomAD 0.00002.

Submissions (3):

Ambry Genetics
Classification: Uncertain significance for Inborn genetic diseases. Last evaluated: 2025-10-18. Review status: criteria provided, single submitter. Criteria: Ambry Variant Classification Scheme 2023. Collection method: clinical testing. Allele origin: germline.

Labcorp Genetics (formerly Invitae), Labcorp
Classification: Uncertain significance. Last evaluated: 2023-11-09. Review status: criteria provided, single submitter. Criteria: Invitae Variant Classification Sherloc (09022015). Collection method: clinical testing. Allele origin: germline.
Comment: This sequence change replaces alanine, which is neutral and non-polar, with glutamic acid, which is acidic and polar, at codon 38 of the DSPP protein (p.Ala38Glu). This variant is present in population databases (rs772873203, gnomAD 0.003%). This variant has not been reported in the literature in individuals affected with DSPP-related conditions. ClinVar contains an entry for this variant (Variation ID: 1711934). Algorithms developed to predict the effect of missense changes on protein structure and function output the following: SIFT: "Not Available"; PolyPhen-2: "Possibly Damaging"; Align-GVGD: "Not Available". The glutamic acid amino acid residue is found in multiple mammalian species, which suggests that this missense change does not adversely affect protein function. In summary, the available evidence is currently insufficient to determine the role of this variant in disease. Therefore, it has been classified as a Variant of Uncertain Significance.

GeneDx
Classification: Uncertain significance. Last evaluated: 2022-12-01. Review status: criteria provided, single submitter. Criteria: GeneDx Variant Classification Process June 2021. Collection method: clinical testing. Allele origin: germline. Affected: yes.
Comment: In silico analysis supports that this missense variant does not alter protein structure/function; Has not been previously published as pathogenic or benign to our knowledge

NM_014208.3(DSPP):c.113C>A (p.Ala38Glu)

Genes: DMP1-AS1 (DMP1 and DSPP antisense RNA 1; minus strand), DSPP (dentin sialophosphoprotein; plus strand). Cytogenetic location: 4q22.1.
Variant type: single nucleotide variant.
Coding change: c.113C>A on transcript NM_014208.3 (MANE Select); coding-DNA position 113, C replaced by A.
Protein change: p.Ala38Glu; replaces alanine 38 with glutamic acid.
Molecular consequence: missense variant.
Genome position (GRCh38, 1-based): chr4:87,612,166, C>A. VCF-style: chr4-87612166-C-A. GRCh37 (hg19) VCF-style: chr4-88533318-C-A.
Other names: short protein forms A38E.
Identifiers: ClinVar variation 1711934 (VCV001711934.6), dbSNP rs772873203, ClinGen allele CA3000823.
Genomic context (GRCh38, chr4:87,612,166, plus strand): 5'-TTCCTCAAAGCAAACCACTGGAGAGACATGTCGAAAAATCCATGAATTTGCATCTCCTAG[C>A]AAGATCAAATGTGTCAGTACAGGTATAGGATGTAATATATTTCATTTTATTTCCTATTTC-3'
Protein context (NP_055023.2, residues 28-48): VEKSMNLHLL[Ala38Glu]RSNVSVQDEL